The following is an entry in ClinVar:

NM_001312673.2(PCYT1A):c.958C>T (p.Pro320Ser)

Gene: PCYT1A (phosphate cytidylyltransferase 1A, choline; minus strand). Cytogenetic location: 3q29.
Variant type: single nucleotide variant.
Coding change: c.958C>T on transcript NM_001312673.2 (MANE Select); coding-DNA position 958, C replaced by T.
Protein change: p.Pro320Ser; replaces proline 320 with serine.
Molecular consequence: missense variant.
Genome position (GRCh38, 1-based): chr3:196,238,834, G>A on the plus strand (C>T on the coding strand, the complement: PCYT1A is on the minus strand). VCF-style: chr3-196238834-G-A. GRCh37 (hg19) VCF-style: chr3-195965705-G-A.
Other names: c.958C>T, p.Pro320Ser (NM_005017.4); short protein forms P320S.
Identifiers: ClinVar variation 1303447 (VCV001303447.3), dbSNP rs748967839, ClinGen allele CA2779384.

ClinVar aggregate classification (germline): Uncertain significance. Review status: criteria provided, multiple submitters, no conflicts (2 of 4 stars). 2 submissions from 2 submitters: Uncertain significance (2). Last evaluated 2021-06-20.

Allele frequency attached by ClinVar (database versions not stated): gnomAD exomes below 0.00001; ExAC 0.00001; gnomAD 0.00001; TOPMed 0.00002.
gnomAD v4.1: 7 of 1,564,094 alleles (0.00045%); highest among the groups gnomAD compares: South Asian, 0.0036%; no homozygotes.

Submissions (2):

Blueprint Genetics
Classification: Uncertain significance. Last evaluated: 2021-06-20. Review status: criteria provided, single submitter. Criteria: ACMG Guidelines, 2015. Collection method: clinical testing. Allele origin: germline.

GeneDx
Classification: Uncertain significance. Last evaluated: 2019-08-29. Review status: criteria provided, single submitter. Criteria: GeneDx Variant Classification Process June 2021. Collection method: clinical testing. Allele origin: germline. Affected: yes.
Comment: Not observed at a significant frequency in large population cohorts (Lek et al., 2016); In silico analysis, which includes protein predictors and evolutionary conservation, supports a deleterious effect; Has not been previously published as pathogenic or benign to our knowledge